The following is an entry in ClinVar:

ClinVar aggregate classification (germline): Likely pathogenic. Review status: criteria provided, single submitter (1 of 4 stars). 2 submissions from 1 submitter: Likely pathogenic (2). Last evaluated 2017-06-06.

Conditions:
Cutis laxa, X-linked (OHS). Also called: EDS IX; Occipital horn syndrome. Identifiers: Orphanet 198, MedGen C0268353, MONDO:0010572, OMIM 304150.
Menkes kinky-hair syndrome (MNK). Also called: Classic Menkes Disease; Copper transport disease; Menkes Disease. Identifiers: Orphanet 565, MedGen C0022716, MONDO:0010651, OMIM 309400.
X-linked distal spinal muscular atrophy type 3. Also called: SPINAL MUSCULAR ATROPHY, DISTAL, X-LINKED RECESSIVE; ATP7A-Related Distal Motor Neuropathy; NEURONOPATHY, DISTAL HEREDITARY MOTOR, X-LINKED; NEUROPATHY, DISTAL HEREDITARY MOTOR, X-LINKED. Identifiers: Orphanet 139557, MedGen C1845359, MONDO:0010338, OMIM 300489.

Submissions (2):

Labcorp Genetics (formerly Invitae), Labcorp
Classification: Likely pathogenic for Cutis laxa, X-linked; Menkes kinky-hair syndrome. Last evaluated: 2017-06-06. Review status: criteria provided, single submitter. Criteria: Invitae Variant Classification Sherloc (09022015). Collection method: clinical testing. Allele origin: germline.
Comment: This sequence change affects a donor splice site in intron 15 of the ATP7A gene. It is expected to disrupt RNA splicing and likely results in an absent or disrupted protein product. This variant is not present in population databases (ExAC no frequency). This variant has not been reported in the literature in individuals with a ATP7A-related disease. Algorithms developed to predict the effect of sequence changes on RNA splicing suggest that this variant may disrupt the consensus splice site, but this prediction has not been confirmed by published transcriptional studies. Donor and acceptor splice site variants typically lead to a loss of protein function (PMID: 16199547), and loss-of-function variants in ATP7A are known to be pathogenic (PMID: 20652413, 11241493). In summary, the currently available evidence indicates that the variant is pathogenic, but additional data are needed to prove that conclusively. Therefore, this variant has been classified as Likely Pathogenic.

Labcorp Genetics (formerly Invitae), Labcorp
Classification: Likely pathogenic for X-linked distal spinal muscular atrophy type 3; Cutis laxa, X-linked; Menkes kinky-hair syndrome. Last evaluated: 2017-06-02. Review status: criteria provided, single submitter. Criteria: Invitae Variant Classification Sherloc (09022015). Collection method: clinical testing. Allele origin: germline.
Comment: the same text as in the submission from Labcorp Genetics (formerly Invitae), Labcorp above.

Literature cited by the submitters: PubMed 16199547; PubMed 20652413; PubMed 11241493.

NM_000052.7(ATP7A):c.3111+1G>A

Gene: ATP7A (ATPase copper transporting alpha; plus strand). Cytogenetic location: Xq21.1.
Variant type: single nucleotide variant.
Coding change: c.3111+1G>A on transcript NM_000052.7 (MANE Select); the canonical splice donor site of the intron after coding-DNA position 3111, G replaced by A.
Molecular consequence: splice donor variant.
Genome position (GRCh38, 1-based): chrX:78,029,445, G>A. VCF-style: chrX-78029445-G-A. GRCh37 (hg19) VCF-style: chrX-77284942-G-A.
Other names: c.2877+1G>A (NM_001282224.2).
Identifiers: ClinVar variation 459839 (VCV000459839.7), dbSNP rs1557236762, ClinGen allele CA413603416.